The following is an entry in ClinVar:

NM_005121.3(MED13):c.4237G>A (p.Asp1413Asn)

Gene: MED13 (mediator complex subunit 13; minus strand). Cytogenetic location: 17q23.2.
Variant type: single nucleotide variant.
Coding change: c.4237G>A on transcript NM_005121.3 (MANE Select); coding-DNA position 4237, G replaced by A.
Protein change: p.Asp1413Asn; replaces aspartic acid 1413 with asparagine.
Molecular consequence: missense variant.
Genome position (GRCh38, 1-based): chr17:61,966,606, C>T on the plus strand (G>A on the coding strand, the complement: MED13 is on the minus strand). VCF-style: chr17-61966606-C-T. GRCh37 (hg19) VCF-style: chr17-60043967-C-T.
Other names: short protein forms D1413N.
Identifiers: ClinVar variation 3766355 (VCV003766355.1).

ClinVar aggregate classification (germline): Uncertain significance (1 of 4 stars; one submission).

Submission:

GeneDx
Classification: Uncertain significance. Last evaluated: 2024-08-29. Review status: criteria provided, single submitter. Criteria: GeneDx Variant Classification Process June 2021. Collection method: clinical testing. Allele origin: germline. Affected: yes.
Comment: Not observed at significant frequency in large population cohorts (gnomAD); In silico analysis supports that this missense variant has a deleterious effect on protein structure/function; In silico analysis is inconclusive as to whether the variant alters gene splicing. In the absence of RNA/functional studies, the actual effect of this sequence change is unknown; Has not been previously published as pathogenic or benign to our knowledge